The following is an entry in ClinVar:

ClinVar aggregate classification (germline): Pathogenic. Review status: criteria provided, multiple submitters, no conflicts (2 of 4 stars). 7 submissions from 7 submitters: Pathogenic (7). Last evaluated 2026-03-21.

Conditions:
PKD1-related disorder. Also called: PKD1-related condition.
Autosomal dominant polycystic kidney disease. Identifiers: Orphanet 730, MedGen C0085413, MONDO:0004691.
Polycystic kidney disease, adult type (PKD1). Also called: Polycystic Kidney Disease 1, Autosomal Dominant; Polycystic kidney disease 1; Polycystic kidney disease 1, severe; POLYCYSTIC KIDNEY DISEASE, ADULT, TYPE I; Polycystic Kidney, Autosomal Dominant; POLYCYSTIC KIDNEY DISEASE 1 WITH OR WITHOUT POLYCYSTIC LIVER DISEASE. Identifiers: MedGen C3149841, MONDO:0008263, OMIM 173900.

Submissions (7):

GeneDx
Classification: Pathogenic. Last evaluated: 2026-03-21. Review status: criteria provided, single submitter. Criteria: GeneDx Variant Classification Process June 2021. Collection method: clinical testing. Allele origin: germline.
Comment: Canonical splice site variant predicted to result in a null allele in a gene for which loss of function is a known mechanism of disease; Not observed at significant frequency in large population cohorts (gnomAD); This variant is associated with the following publications: (PMID: 31197971, 27577987, 38765603)

PreventionGenetics, part of Exact Sciences
Classification: Pathogenic for PKD1-related condition. Last evaluated: 2026-02-02. Review status: criteria provided, single submitter. Criteria: ACMG Guidelines, 2015. Collection method: clinical testing. Allele origin: germline.
Comment: The PKD1 c.1723-1G>A variant is predicted to disrupt the AG splice acceptor site and interfere with normal splicing. This variant has been reported as maternally-inherited in two siblings with autosomal dominant polycystic kidney disease (ADPKD) (Truscott et al. 2017. PubMed ID: 27577987). This variant has not been reported in a large population database (gnomAD), indicating this variant is rare. Variants that disrupt the consensus splice acceptor site in PKD1 are expected to be pathogenic. This variant is interpreted as pathogenic.

Department of Pathology and Laboratory Medicine, Sinai Health System
Classification: Pathogenic for autosomal dominant polycystic kidney disease. Last evaluated: 2024-08-14. Review status: criteria provided, single submitter. Criteria: ACMG Guidelines, 2015. Collection method: clinical testing. Allele origin: germline.

Fulgent Genetics
Classification: Pathogenic for Polycystic kidney disease, adult type. Last evaluated: 2024-05-02. Review status: criteria provided, single submitter. Criteria: ACMG Guidelines, 2015. Collection method: clinical testing. Allele origin: germline.

ARUP Laboratories, Molecular Genetics and Genomics, ARUP Laboratories
Classification: Pathogenic for Polycystic kidney disease, adult type. Last evaluated: 2019-03-07. Review status: criteria provided, single submitter. Criteria: ARUP Molecular Germline Variant Investigation Process. Collection method: clinical testing. Allele origin: germline.
Comment: The PKD1 c.1723-1G>A variant has been described in association with autosomal dominant polycystic kidney disease (ADPKD; Truscott 2017). It is absent from general population databases (Exome Variant Server and Genome Aggregation Database), indicating it is not a common polymorphism. This variant abolishes the canonical splice acceptor site of intron 8, which is likely to disrupt gene function. Additionally, another variant that abolishes this canonical splice acceptor site (c.1723-2A>C) has been described in an individual with ADPKD and is considered pathogenic (Audrezet 2012). Based on available information, the c.1723-1G>A variant is considered pathogenic. REFERENCES Audrezet M et al. Autosomal dominant polycystic kidney disease: comprehensive mutation analysis of PKD1 and PKD2 in 700 unrelated patients. Hum Mutat. 2012 Aug;33(8):1239-50. Truscott L et al. Novel association of familial testicular germ cell tumor and autosomal dominant polycystic kidney disease with PKD1 mutation. Pediatr Blood Cancer. 2017 Jan;64(1):100-102.

Athena Diagnostics
Classification: Pathogenic. Last evaluated: 2018-11-16. Review status: criteria provided, single submitter. Criteria: Athena Diagnostics Criteria. Collection method: clinical testing. Allele origin: germline.
Comment: The variant disrupts a canonical splice site, and is therefore predicted to result in the loss of a functional protein. Found in at least one symptomatic patient, and not found in general population data.

Clinical Genetics Service, Universitary Hospital 12 de Octubre
Classification: Pathogenic for Polycystic kidney disease, adult type. Review status: criteria provided, single submitter. Criteria: ACMG Guidelines, 2015. Collection method: clinical testing. Allele origin: maternal. Affected: yes.

Literature cited by the submitters: PubMed 27577987 (cited by Department of Pathology and Laboratory Medicine, Sinai Health System and Athena Diagnostics).

NM_001009944.3(PKD1):c.1723-1G>A

Gene: PKD1 (polycystin 1, transient receptor potential channel interacting; minus strand). Cytogenetic location: 16p13.3.
Variant type: single nucleotide variant.
Coding change: c.1723-1G>A on transcript NM_001009944.3 (MANE Select); the canonical splice acceptor site of the intron before coding-DNA position 1723, G replaced by A.
Molecular consequence: splice acceptor variant.
Genome position (GRCh38, 1-based): chr16:2,116,119, C>T on the plus strand (G>A on the coding strand, the complement: PKD1 is on the minus strand). VCF-style: chr16-2116119-C-T. GRCh37 (hg19) VCF-style: chr16-2166120-C-T.
Other names: c.1723-1G>A (NM_000296.4).
Identifiers: ClinVar variation 805152 (VCV000805152.15), dbSNP rs1596582948, ClinGen allele CA394391330.